The following is an entry in ClinVar:

ClinVar aggregate classification (germline): Uncertain significance. Review status: criteria provided, multiple submitters, no conflicts (2 of 4 stars). 2 submissions from 2 submitters: Uncertain significance (2). Last evaluated 2025-08-04.

Conditions:
Ichthyosis linearis circumflexa. Identifiers: MedGen C0265962, MONDO:0043106, HP:0025810.
Inborn genetic diseases. Identifiers: MedGen C0950123, MeSH D030342.

Allele frequency attached by ClinVar (database versions not stated): ExAC 0.00001; gnomAD 0.00002; TOPMed 0.00003.
gnomAD v4.1: 8 of 1,611,640 alleles (0.0005%); highest among the groups gnomAD compares: African/African-American, 0.008%; no homozygotes.

Submissions (2):

Ambry Genetics
Classification: Uncertain significance for Inborn genetic diseases. Last evaluated: 2025-08-04. Review status: criteria provided, single submitter. Criteria: Ambry Variant Classification Scheme 2023. Collection method: clinical testing. Allele origin: germline.

Labcorp Genetics (formerly Invitae), Labcorp
Classification: Uncertain significance for Ichthyosis linearis circumflexa. Last evaluated: 2025-07-28. Review status: criteria provided, single submitter. Criteria: Invitae Variant Classification Sherloc (09022015). Collection method: clinical testing. Allele origin: germline.
Comment: This sequence change replaces cysteine, which is neutral and slightly polar, with arginine, which is basic and polar, at codon 632 of the SPINK5 protein (p.Cys632Arg). This variant is present in population databases (rs775767273, gnomAD 0.02%). This variant has not been reported in the literature in individuals affected with SPINK5-related conditions. ClinVar contains an entry for this variant (Variation ID: 2046039). Invitae Evidence Modeling of protein sequence and biophysical properties (such as structural, functional, and spatial information, amino acid conservation, physicochemical variation, residue mobility, and thermodynamic stability) has been performed for this missense variant. However, the output from this modeling did not meet the statistical confidence thresholds required to predict the impact of this variant on SPINK5 protein function. In summary, the available evidence is currently insufficient to determine the role of this variant in disease. Therefore, it has been classified as a Variant of Uncertain Significance.

NM_006846.4(SPINK5):c.1894T>C (p.Cys632Arg)

Gene: SPINK5 (serine peptidase inhibitor Kazal type 5; plus strand). Cytogenetic location: 5q32.
Variant type: single nucleotide variant.
Coding change: c.1894T>C on transcript NM_006846.4 (MANE Select); coding-DNA position 1894, T replaced by C.
Protein change: p.Cys632Arg; replaces cysteine 632 with arginine.
Molecular consequence: missense variant.
Genome position (GRCh38, 1-based): chr5:148,114,368, T>C. VCF-style: chr5-148114368-T-C. GRCh37 (hg19) VCF-style: chr5-147493931-T-C.
Other names: c.1894T>C, p.Cys632Arg (NM_001127698.2, NM_001127699.2); short protein forms C632R.
Identifiers: ClinVar variation 2046039 (VCV002046039.5), dbSNP rs775767273, ClinGen allele CA3495791.